The following is an entry in ClinVar:

NM_003793.4(CTSF):c.280G>A (p.Val94Met)

Gene: CTSF (cathepsin F; minus strand). Cytogenetic location: 11q13.2.
Variant type: single nucleotide variant.
Coding change: c.280G>A on transcript NM_003793.4 (MANE Select); coding-DNA position 280, G replaced by A.
Protein change: p.Val94Met; replaces valine 94 with methionine.
Molecular consequence: missense variant.
Genome position (GRCh38, 1-based): chr11:66,568,016, C>T on the plus strand (G>A on the coding strand, the complement: CTSF is on the minus strand). VCF-style: chr11-66568016-C-T. GRCh37 (hg19) VCF-style: chr11-66335487-C-T.
Other names: short protein forms V94M.
Identifiers: ClinVar variation 1967439 (VCV001967439.6), dbSNP rs2495284336, ClinGen allele CA381467517.

ClinVar aggregate classification (germline): Uncertain significance. Review status: criteria provided, multiple submitters, no conflicts (2 of 4 stars). 2 submissions from 2 submitters: Uncertain significance (2). Last evaluated 2022-09-07.

Conditions:
Inborn genetic diseases. Identifiers: MedGen C0950123, MeSH D030342.
Neuronal ceroid lipofuscinosis 13 (CLN13). Also called: CEROID LIPOFUSCINOSIS, NEURONAL, 13 (KUFS TYPE); CLN13 Disease. Identifiers: Orphanet 352709, Orphanet 79262, MedGen C3715049, MONDO:0014147, OMIM 615362.

Allele frequency attached by ClinVar (database versions not stated): gnomAD exomes below 0.00001.

Submissions (2):

Ambry Genetics
Classification: Uncertain significance for Inborn genetic diseases. Last evaluated: 2022-09-07. Review status: criteria provided, single submitter. Criteria: Ambry Variant Classification Scheme 2023. Collection method: clinical testing. Allele origin: germline.

Labcorp Genetics (formerly Invitae), Labcorp
Classification: Uncertain significance for Neuronal ceroid lipofuscinosis 13. Last evaluated: 2022-07-19. Review status: criteria provided, single submitter. Criteria: Invitae Variant Classification Sherloc (09022015). Collection method: clinical testing. Allele origin: germline.
Comment: In summary, the available evidence is currently insufficient to determine the role of this variant in disease. Therefore, it has been classified as a Variant of Uncertain Significance. Algorithms developed to predict the effect of missense changes on protein structure and function are either unavailable or do not agree on the potential impact of this missense change (SIFT: "Tolerated"; PolyPhen-2: "Possibly Damaging"; Align-GVGD: "Class C0"). This variant has not been reported in the literature in individuals affected with CTSF-related conditions. This variant is not present in population databases (gnomAD no frequency). This sequence change replaces valine, which is neutral and non-polar, with methionine, which is neutral and non-polar, at codon 94 of the CTSF protein (p.Val94Met).